The following is an entry in ClinVar:

NM_031407.7(HUWE1):c.12436A>G (p.Met4146Val)

Gene: HUWE1 (HECT, UBA and WWE domain containing E3 ubiquitin protein ligase 1; minus strand). Cytogenetic location: Xp11.22.
Variant type: single nucleotide variant.
Coding change: c.12436A>G on transcript NM_031407.7 (MANE Select); coding-DNA position 12436, A replaced by G.
Protein change: p.Met4146Val; replaces methionine 4146 with valine.
Molecular consequence: missense variant.
Genome position (GRCh38, 1-based): chrX:53,536,242, T>C on the plus strand (A>G on the coding strand, the complement: HUWE1 is on the minus strand). VCF-style: chrX-53536242-T-C. GRCh37 (hg19) VCF-style: chrX-53563203-T-C.
Other names: short protein forms M4146V.
Identifiers: ClinVar variation 986150 (VCV000986150.4), dbSNP rs2061057437, ClinGen allele CA413149709.
Genomic context (GRCh38, chrX:53,536,242, plus strand): 5'-AGACATCATTTTCCAGCAGATAAACCAGACCTTGGTAGAAGTGGTAATCTTCACTCTCCA[T>C]ATCTGTATATCTAGAAAAACACAATTATACAGGGTCATGGTTTGCGAGTGGGGGGGAAGA-3'
Protein context (NP_113584.3, residues 4136-4156): ILGKSVRYTD[Met4146Val]ESEDYHFYQG

ClinVar aggregate classification (germline): Uncertain significance. Review status: criteria provided, multiple submitters, no conflicts (2 of 4 stars). 2 submissions from 2 submitters: Uncertain significance (2). Last evaluated 2023-01-05.

Conditions:
Inborn genetic diseases. Identifiers: MedGen C0950123, MeSH D030342.

Submissions (2):

GeneDx
Classification: Uncertain significance. Last evaluated: 2023-01-05. Review status: criteria provided, single submitter. Criteria: GeneDx Variant Classification Process June 2021. Collection method: clinical testing. Allele origin: germline. Affected: yes.
Comment: Not observed at significant frequency in large population cohorts (gnomAD); In silico analysis supports that this missense variant has a deleterious effect on protein structure/function; Has not been previously published as pathogenic or benign to our knowledge

Ambry Genetics
Classification: Uncertain significance for Inborn genetic diseases. Last evaluated: 2019-04-18. Review status: criteria provided, single submitter. Criteria: Ambry exome assertion method (8-5-2015). Collection method: clinical testing. Allele origin: germline. Affected: yes. Observed: 1 variant allele.